The following is an entry in ClinVar:

NM_001042545.2(LTBP4):c.1355_1366del (p.Asp452_Pro455del)

Gene: LTBP4 (latent transforming growth factor beta binding protein 4; plus strand). Cytogenetic location: 19q13.2.
Variant type: Deletion.
Coding change: c.1355_1366del on transcript NM_001042545.2 (MANE Select); coding-DNA positions 1355 to 1366, 12 bases deleted (ATCCCCGGCCCG).
Protein change: p.Asp452_Pro455del.
Molecular consequence: inframe deletion.
Genome position (GRCh38, 1-based): chr19:40,608,532-40,608,543, ATCCCCGGCCCG deleted; deleting any 12 consecutive bases within chr19:40,608,522-40,608,543 gives the same sequence; the c. name uses the placement nearest the transcript's 3' end. VCF-style (leftmost placement, unchanged base first): chr19-40608521-ACCCCGGCCCGAT-A. GRCh37 (hg19) VCF-style: chr19-41114427-ACCCCGGCCCGAT-A.
Other names: c.1445_1456delATCCCCGGCCCG (NM_003573.2); c.1556_1567del, p.Asp519_Pro522del (NM_001042544.1); c.1445_1456del, p.Asp482_Pro485del (NM_003573.2).
Identifiers: ClinVar variation 423013 (VCV000423013.11), dbSNP rs529188563, ClinGen allele CA9448282.

ClinVar aggregate classification (germline): Conflicting classifications of pathogenicity. Review status: criteria provided, conflicting classifications (1 of 4 stars). 3 submissions from 3 submitters: Uncertain significance (1); Benign (1); Likely benign (1). Last evaluated 2026-01-25.

Submissions (3):

Labcorp Genetics (formerly Invitae), Labcorp
Classification: Benign. Last evaluated: 2026-01-25. Review status: criteria provided, single submitter. Criteria: Invitae Variant Classification Sherloc (09022015). Collection method: clinical testing. Allele origin: germline.

Blueprint Genetics
Classification: Likely benign. Last evaluated: 2024-10-28. Review status: criteria provided, single submitter. Criteria: ACMG Guidelines, 2015. Collection method: clinical testing. Allele origin: germline.

GeneDx
Classification: Uncertain significance. Last evaluated: 2017-01-11. Review status: criteria provided, single submitter. Criteria: GeneDx Variant Classification (06012015). Collection method: clinical testing. Allele origin: germline. Affected: yes.
Comment: The c.1445_1456del12 variant of uncertain significance in the LTBP4 gene has not been published as a pathogenic variant, nor has it been reported as a benign variant to our knowledge. c.1445_1456del12 was not observed in approximately 5,900 individuals of European and African American ancestry in the NHLBI Exome Sequencing Project, nor was it observed in the Exome Aggregation Consortium, indicating it is not a common benign variant in these populations. The c.1445_1456del12 variant results in an in-frame deletion of four amino acid residues beginning at position 482, denoted p.Asp482_Pro485del. However, no in-frame deletions or insertions in the LTBP4 gene have been reported in the Human Gene Mutation Database (Stenson et al., 2014) , and no pathogenic missense variants in nearby residues have been reported, indicating that this region of the gene is not known to harbor disease-causing variants.